The following is an entry in ClinVar:

ClinVar aggregate classification (germline): Uncertain significance. Review status: criteria provided, multiple submitters, no conflicts (2 of 4 stars). 2 submissions from 2 submitters: Uncertain significance (2). Last evaluated 2024-08-19.

Conditions:
Immunodeficiency. Identifiers: MedGen C0021051, MONDO:0021094, HP:0002721.

Allele frequency attached by ClinVar (database versions not stated): gnomAD exomes below 0.00001; TOPMed below 0.00001; ExAC 0.00001.
gnomAD v4.1: 3 of 1,599,058 alleles (0.00019%); highest among the groups gnomAD compares: Non-Finnish European, 0.00026%; no homozygotes.

Submissions (2):

Ambry Genetics
Classification: Uncertain significance. Last evaluated: 2024-08-19. Review status: criteria provided, single submitter. Criteria: Ambry Variant Classification Scheme 2023. Collection method: clinical testing. Allele origin: germline.

Labcorp Genetics (formerly Invitae), Labcorp
Classification: Uncertain significance for Immunodeficiency. Last evaluated: 2022-04-17. Review status: criteria provided, single submitter. Criteria: Invitae Variant Classification Sherloc (09022015). Collection method: clinical testing. Allele origin: germline.
Comment: In summary, the available evidence is currently insufficient to determine the role of this variant in disease. Therefore, it has been classified as a Variant of Uncertain Significance. This sequence change replaces glycine, which is neutral and non-polar, with serine, which is neutral and polar, at codon 3 of the NFAT5 protein (p.Gly3Ser). The frequency data for this variant in the population databases is considered unreliable, as metrics indicate poor data quality at this position in the gnomAD database. This variant has not been reported in the literature in individuals affected with NFAT5-related conditions. Algorithms developed to predict the effect of missense changes on protein structure and function are either unavailable or do not agree on the potential impact of this missense change (SIFT: "Tolerated"; PolyPhen-2: "Probably Damaging"; Align-GVGD: "Class C0").

NM_138713.4(NFAT5):c.289G>A (p.Gly97Ser)

Gene: NFAT5 (nuclear factor of activated T cells 5; plus strand). Cytogenetic location: 16q22.1.
Variant type: single nucleotide variant.
Coding change: c.289G>A on transcript NM_138713.4 (MANE Select); coding-DNA position 289, G replaced by A.
Protein change: p.Gly97Ser; replaces glycine 97 with serine.
Molecular consequence: missense variant. On other transcripts: synonymous variant (1).
Genome position (GRCh38, 1-based): chr16:69,647,063, G>A. VCF-style: chr16-69647063-G-A. GRCh37 (hg19) VCF-style: chr16-69680966-G-A.
Other names: c.289G>A (NM_138713.3); c.289G>A, p.Gly97Ser (NM_001113178.3); c.36G>A, p.Ala12= (NM_001367709.1); c.235G>A, p.Gly79Ser (NM_006599.4); c.7G>A, p.Gly3Ser (NM_138714.4, NM_173214.3, NM_173215.3); short protein forms G3S, G79S, G97S.
Identifiers: ClinVar variation 2421991 (VCV002421991.8), dbSNP rs755756855, ClinGen allele CA8135341.